The following is an entry in ClinVar:

NM_002439.5(MSH3):c.793A>G (p.Ile265Val)

Gene: MSH3 (mutS homolog 3; plus strand). Cytogenetic location: 5q14.1.
Variant type: single nucleotide variant.
Coding change: c.793A>G on transcript NM_002439.5 (MANE Select); coding-DNA position 793, A replaced by G.
Protein change: p.Ile265Val; replaces isoleucine 265 with valine.
Molecular consequence: missense variant.
Genome position (GRCh38, 1-based): chr5:80,672,244, A>G. VCF-style: chr5-80672244-A-G. GRCh37 (hg19) VCF-style: chr5-79968063-A-G.
Other names: short protein forms I265V.
Identifiers: ClinVar variation 2586059 (VCV002586059.6), dbSNP rs2546722346, ClinGen allele CA360267050.

ClinVar aggregate classification (germline): Uncertain significance. Review status: criteria provided, multiple submitters, no conflicts (2 of 4 stars). 2 submissions from 2 submitters: Uncertain significance (2). Last evaluated 2025-09-07.

Conditions:
Hereditary cancer-predisposing syndrome. Also called: Hereditary neoplastic syndrome; Tumor predisposition; Hereditary Cancer Syndrome; Neoplastic Syndromes, Hereditary. Identifiers: Orphanet 140162, MedGen C0027672, MeSH D009386, MONDO:0015356.

Submissions (2):

Ambry Genetics
Classification: Uncertain significance for Hereditary cancer-predisposing syndrome. Last evaluated: 2025-09-07. Review status: criteria provided, single submitter. Criteria: Ambry Variant Classification Scheme 2023. Collection method: clinical testing. Allele origin: germline.
Comment: The p.I265V variant (also known as c.793A>G) is located in coding exon 5 of the MSH3 gene. The isoleucine at codon 265 is replaced by valine, an amino acid with highly similar properties. This change occurs in the first base pair of coding exon 5. This amino acid position is conserved. In addition, the in silico prediction for this alteration is inconclusive. Since supporting evidence is limited at this time, the clinical significance of this alteration remains unclear.

Labcorp Genetics (formerly Invitae), Labcorp
Classification: Uncertain significance. Last evaluated: 2023-05-20. Review status: criteria provided, single submitter. Criteria: Invitae Variant Classification Sherloc (09022015). Collection method: clinical testing. Allele origin: germline.
Comment: In summary, the available evidence is currently insufficient to determine the role of this variant in disease. Therefore, it has been classified as a Variant of Uncertain Significance. Algorithms developed to predict the effect of missense changes on protein structure and function output the following: SIFT: "Not Available"; PolyPhen-2: "Benign"; Align-GVGD: "Not Available". The valine amino acid residue is found in multiple mammalian species, which suggests that this missense change does not adversely affect protein function. This variant has not been reported in the literature in individuals affected with MSH3-related conditions. This variant is not present in population databases (gnomAD no frequency). This sequence change replaces isoleucine, which is neutral and non-polar, with valine, which is neutral and non-polar, at codon 265 of the MSH3 protein (p.Ile265Val).